The following is an entry in ClinVar:

NM_001271696.3(ABCB7):c.1575A>G (p.Gln525=)

Gene: ABCB7 (ATP binding cassette subfamily B member 7; minus strand). Cytogenetic location: Xq13.3.
Variant type: single nucleotide variant.
Coding change: c.1575A>G on transcript NM_001271696.3 (MANE Select); coding-DNA position 1575, A replaced by G.
Protein change: p.Gln525=; no amino-acid change (glutamine 525 retained).
Molecular consequence: synonymous variant.
Genome position (GRCh38, 1-based): chrX:75,069,091, T>C on the plus strand (A>G on the coding strand, the complement: ABCB7 is on the minus strand). VCF-style: chrX-75069091-T-C. GRCh37 (hg19) VCF-style: chrX-74288926-T-C.
Other names: c.1455A>G, p.Gln485= (NM_001271697.3); c.1497A>G, p.Gln499= (NM_001271698.3); c.1458A>G, p.Gln486= (NM_001271699.3); c.1578A>G, p.Gln526= (NM_004299.6).
Identifiers: ClinVar variation 3349016 (VCV003349016.2).

ClinVar aggregate classification (germline): Benign. Review status: criteria provided, single submitter (1 of 4 stars). 2 submissions from 2 submitters: Benign (1). 1 of the submissions does not count toward it. Last evaluated 2025-09-25.

Conditions:
ABCB7-related disorder. Also called: ABCB7-related condition.

gnomAD v4.1: 9 of 1,207,689 alleles (0.00075%); highest among the groups gnomAD compares: East Asian, 0.021%; no homozygotes.

Submissions (2):

Labcorp Genetics (formerly Invitae), Labcorp
Classification: Benign. Last evaluated: 2025-09-25. Review status: criteria provided, single submitter. Criteria: Invitae Variant Classification Sherloc (09022015). Collection method: clinical testing. Allele origin: germline.

PreventionGenetics, part of Exact Sciences
Classification: Likely benign for ABCB7-related condition. Last evaluated: 2024-03-14. Review status: no assertion criteria provided. Collection method: clinical testing. Allele origin: germline. Not counted in ClinVar's aggregate classification.
Comment: This variant is classified as likely benign based on ACMG/AMP sequence variant interpretation guidelines (Richards et al. 2015 PMID: 25741868, with internal and published modifications).